The following is an entry in ClinVar:

NM_015021.3(ZNF292):c.6292G>T (p.Val2098Phe)

Gene: ZNF292 (zinc finger protein 292; plus strand). Cytogenetic location: 6q14.3.
Variant type: single nucleotide variant.
Coding change: c.6292G>T on transcript NM_015021.3 (MANE Select); coding-DNA position 6292, G replaced by T.
Protein change: p.Val2098Phe; replaces valine 2098 with phenylalanine.
Molecular consequence: missense variant.
Genome position (GRCh38, 1-based): chr6:87,259,921, G>T. VCF-style: chr6-87259921-G-T. GRCh37 (hg19) VCF-style: chr6-87969639-G-T.
Other names: c.5872G>T, p.Val1958Phe (NM_001351444.2); short protein forms V1958F, V2098F.
Identifiers: ClinVar variation 3383874 (VCV003383874.1).

ClinVar aggregate classification (germline): Uncertain significance (1 of 4 stars; one submission).

Submission:

GeneDx
Classification: Uncertain significance. Last evaluated: 2024-05-30. Review status: criteria provided, single submitter. Criteria: GeneDx Variant Classification Process June 2021. Collection method: clinical testing. Allele origin: germline. Affected: yes.
Comment: Not observed at significant frequency in large population cohorts (gnomAD); In silico analysis indicates that this missense variant does not alter protein structure/function; Has not been previously published as pathogenic or benign to our knowledge